The following is an entry in ClinVar:

NM_000138.5(FBN1):c.1710T>A (p.Cys570Ter)

Gene: FBN1 (fibrillin 1; minus strand). Cytogenetic location: 15q21.1.
Variant type: single nucleotide variant.
Coding change: c.1710T>A on transcript NM_000138.5 (MANE Select); coding-DNA position 1710, T replaced by A.
Protein change: p.Cys570Ter; replaces cysteine 570 with a stop codon.
Molecular consequence: nonsense.
Genome position (GRCh38, 1-based): chr15:48,510,048, A>T on the plus strand (T>A on the coding strand, the complement: FBN1 is on the minus strand). VCF-style: chr15-48510048-A-T. GRCh37 (hg19) VCF-style: chr15-48802245-A-T.
Other names: short protein forms C570*.
Identifiers: ClinVar variation 36039 (VCV000036039.4), dbSNP rs193922183, ClinGen allele CA012495.

ClinVar aggregate classification (germline): Pathogenic/Likely pathogenic. Review status: criteria provided, multiple submitters, no conflicts (2 of 4 stars). 2 submissions from 2 submitters: Pathogenic (1); Likely pathogenic (1). Last evaluated 2017-12-15.

Conditions:
Marfan Syndrome/Loeys-Dietz Syndrome/Familial Thoracic Aortic Aneurysms and Dissections. Identifiers: MedGen CN229799.
Familial thoracic aortic aneurysm and aortic dissection (TAAD). Also called: Thoracic aortic aneurysms and dissections. Identifiers: Orphanet 91387, MedGen C4707243, MONDO:0019625.

Submissions (2):

Ambry Genetics
Classification: Pathogenic for Familial thoracic aortic aneurysm and aortic dissection. Last evaluated: 2017-12-15. Review status: criteria provided, single submitter. Criteria: Ambry Variant Classification Scheme 2023. Collection method: clinical testing. Allele origin: germline.
Comment: The p.C570* pathogenic mutation (also known as c.1710T>A), located in coding exon 13 of the FBN1 gene, results from a T to A substitution at nucleotide position 1710. This changes the amino acid from a cysteine to a stop codon within coding exon 13. This alteration is expected to result in loss of function by premature protein truncation or nonsense-mediated mRNA decay. As such, this alteration is interpreted as a disease-causing mutation.

Women's Health and Genetics/Laboratory Corporation of America, LabCorp
Classification: Likely pathogenic for Marfan Syndrome/Loeys-Dietz Syndrome/Familial Thoracic Aortic Aneurysms and Dissections. Last evaluated: 2016-05-24. Review status: criteria provided, single submitter. Criteria: LabCorp Variant Classification Summary - May 2015. Collection method: clinical testing. Allele origin: germline.
Comment: Variant summary: The FBN1 c.1710T>A (p.Cys570X) variant results in a premature termination codon, predicted to cause a truncated or absent FBN1 protein due to nonsense mediated decay, which are commonly known mechanisms for disease. Truncations downstream of this position have been classified as pathogenic by our laboratory (e.g. p.Arg2394X, p.Cys2390fsX15, p.Met2347fsX19, etc.). One in silico tool predicts a damaging outcome for this variant. This variant is absent in 121126 control chromosomes, and has not, to our knowledge, been reported in affected individuals via publications and/or reputable databases/clinical diagnostic laboratories; nor evaluated for functional impact by in vivo/vitro studies. Taken together and due to the nature of this variant, this nonsense FBN1 variant is classified as Likely Pathogenic.